The following is an entry in ClinVar:

NM_020987.5(ANK3):c.3971T>C (p.Val1324Ala)

Gene: ANK3 (ankyrin 3; minus strand). Cytogenetic location: 10q21.2.
Variant type: single nucleotide variant.
Coding change: c.3971T>C on transcript NM_020987.5 (MANE Select); coding-DNA position 3971, T replaced by C.
Protein change: p.Val1324Ala; replaces valine 1324 with alanine.
Molecular consequence: missense variant.
Genome position (GRCh38, 1-based): chr10:60,084,705, A>G on the plus strand (T>C on the coding strand, the complement: ANK3 is on the minus strand). VCF-style: chr10-60084705-A-G. GRCh37 (hg19) VCF-style: chr10-61844463-A-G.
Other names: c.1373T>C, p.Val458Ala (NM_001149.4); c.3953T>C, p.Val1318Ala (NM_001204403.2); c.3974T>C, p.Val1325Ala (NM_001204404.2); c.3971T>C, p.Val1324Ala (NM_001320874.2); short protein forms V1318A, V1324A, V1325A, V458A.
Identifiers: ClinVar variation 4536555 (VCV004536555.1).
Genomic context (GRCh38, chr10:60,084,705, plus strand): 5'-TGCTCTAAAGTTTTGTCCACTTTGTCATCTGTCATGCAGAAACATCGCAAGGAAGATTCT[A>G]CGGGATCATTCATTTTGGCAAAAACAACAAACTTGGCCATATATGGAACACATATCAATT-3'
Protein context (NP_066267.2, residues 1314-1334): FVVFAKMNDP[Val1324Ala]ESSLRCFCMT

ClinVar aggregate classification (germline): Uncertain significance (1 of 4 stars; one submission).

Submission:

GeneDx
Classification: Uncertain significance. Last evaluated: 2025-06-03. Review status: criteria provided, single submitter. Criteria: GeneDx Variant Classification Process June 2021. Collection method: clinical testing. Allele origin: germline. Affected: yes.
Comment: Not observed at significant frequency in large population cohorts (gnomAD); In silico analysis supports that this missense variant has a deleterious effect on protein structure/function; Has not been previously published as pathogenic or benign to our knowledge